The following is an entry in ClinVar:

ClinVar aggregate classification (germline): Uncertain significance (1 of 4 stars; one submission).

Conditions:
Hereditary cancer-predisposing syndrome. Also called: Hereditary Cancer Syndrome; Tumor predisposition; Hereditary neoplastic syndrome; Neoplastic Syndromes, Hereditary. Identifiers: Orphanet 140162, MedGen C0027672, MeSH D009386, MONDO:0015356.

Submission:

Ambry Genetics
Classification: Uncertain significance for Hereditary cancer-predisposing syndrome. Last evaluated: 2024-04-05. Review status: criteria provided, single submitter. Criteria: Ambry Variant Classification Scheme 2023. Collection method: clinical testing. Allele origin: germline.
Comment: The c.6640_6642delACT variant (also known as p.T2214del) is located in coding exon 10 of the BRCA2 gene. This variant results from an in-frame ACT deletion at nucleotide positions 6640 to 6642. This results in the in-frame deletion of a threonine at codon 2214. This amino acid position is not well conserved in available vertebrate species. In addition, the in silico prediction for this alteration is inconclusive (Choi Y et al. PLoS ONE. 2012; 7(10):e46688). Based on the available evidence, the clinical significance of this variant remains unclear.

NM_000059.4(BRCA2):c.6640_6642del (p.Thr2214del)

Gene: BRCA2 (BRCA2 DNA repair associated; plus strand). Cytogenetic location: 13q13.1.
Variant type: Deletion.
Coding change: c.6640_6642del on transcript NM_000059.4 (MANE Select); coding-DNA positions 6640 to 6642, 3 bases deleted (ACT; older notation c.6640_6642delACT).
Protein change: p.Thr2214del; deletes threonine 2214.
Molecular consequence: inframe deletion. On other transcripts: non-coding transcript variant (1), intron variant (2).
Genome position (GRCh38, 1-based): chr13:32,340,995-32,340,997, ACT deleted; deleting any 3 consecutive bases within chr13:32,340,993-32,340,997 gives the same sequence; the c. name uses the placement nearest the transcript's 3' end. VCF-style (leftmost placement, unchanged base first): chr13-32340992-TCTA-T. GRCh37 (hg19) VCF-style: chr13-32915129-TCTA-T.
Other names: c.6640_6642del, p.Thr2214del (NM_001406719.1, NM_001406720.1); c.1910-3563_1910-3561del (NM_001406721.1); c.425-3563_425-3561del (NM_001406722.1); short protein forms T2214del.
Identifiers: ClinVar variation 3261567 (VCV003261567.1).
Genomic context (GRCh38, chr13:32,340,992, plus strand): 5'-GAAATTGGTAAAACTGAAACTTTTTCTGATGTTCCTGTGAAAACAAATATAGAAGTTTGT[TCTA>T]CTTACTCCAAAGATTCAGAAAACTACTTTGAAACAGAAGCAGTAGAAATTGCTAAAGCTT-3'